The following is an entry in ClinVar:

ClinVar aggregate classification (germline): Uncertain significance. Review status: criteria provided, multiple submitters, no conflicts (2 of 4 stars). 2 submissions from 2 submitters: Uncertain significance (2). Last evaluated 2024-08-04.

Conditions:
Inborn genetic diseases. Identifiers: MedGen C0950123, MeSH D030342.
Inflammatory bowel disease 25. Also called: Inflammatory bowel disease 25, early onset, autosomal recessive. Identifiers: Orphanet 238569, MedGen C2675508, MONDO:0012941, OMIM 612567.

Submissions (2):

Ambry Genetics
Classification: Uncertain significance for Inborn genetic diseases. Last evaluated: 2024-08-04. Review status: criteria provided, single submitter. Criteria: Ambry Variant Classification Scheme 2023. Collection method: clinical testing. Allele origin: germline.

Labcorp Genetics (formerly Invitae), Labcorp
Classification: Uncertain significance for Inflammatory bowel disease 25. Last evaluated: 2022-01-18. Review status: criteria provided, single submitter. Criteria: Invitae Variant Classification Sherloc (09022015). Collection method: clinical testing. Allele origin: germline.
Comment: This variant is not present in population databases (gnomAD no frequency). This sequence change replaces glycine, which is neutral and non-polar, with alanine, which is neutral and non-polar, at codon 10 of the IL10RB protein (p.Gly10Ala). This variant has not been reported in the literature in individuals affected with IL10RB-related conditions. In summary, the available evidence is currently insufficient to determine the role of this variant in disease. Therefore, it has been classified as a Variant of Uncertain Significance. Algorithms developed to predict the effect of missense changes on protein structure and function are either unavailable or do not agree on the potential impact of this missense change (SIFT: "Tolerated"; PolyPhen-2: "Not Available"; Align-GVGD: "Class C0").

NM_000628.5(IL10RB):c.29G>C (p.Gly10Ala)

Genes: IL10RB (interleukin 10 receptor subunit beta; plus strand), IFNAR2-IL10RB (IFNAR2-IL10RB readthrough; plus strand), LOC130066558 (ATAC-STARR-seq lymphoblastoid silent region 13254; plus strand). Cytogenetic location: 21q22.11.
Variant type: single nucleotide variant.
Coding change: c.29G>C on transcript NM_000628.5 (MANE Select); coding-DNA position 29, G replaced by C.
Protein change: p.Gly10Ala; replaces glycine 10 with alanine.
Molecular consequence: missense variant.
Genome position (GRCh38, 1-based): chr21:33,266,494, G>C. VCF-style: chr21-33266494-G-C. GRCh37 (hg19) VCF-style: chr21-34638799-G-C.
Other names: c.29G>C, p.Gly10Ala (NM_001405849.1, NM_001405850.1, NM_001406840.1); short protein forms G10A.
Identifiers: ClinVar variation 2087685 (VCV002087685.5), dbSNP rs2516776267, ClinGen allele CA410106862.